The following is an entry in ClinVar:

ClinVar aggregate classification (germline): Uncertain significance. Review status: criteria provided, multiple submitters, no conflicts (2 of 4 stars). 2 submissions from 2 submitters: Uncertain significance (2). Last evaluated 2025-08-02.

Conditions:
Primary ciliary dyskinesia. Also called: Ciliary dyskinesia. Identifiers: Orphanet 244, MedGen C0008780, MONDO:0016575, HP:0012265.
Primary ciliary dyskinesia 23 (CILD23). Also called: CILIARY DYSKINESIA, PRIMARY, 23, WITH OR WITHOUT SITUS INVERSUS. Identifiers: Orphanet 244, MedGen C3809548, MONDO:0014193, OMIM 615451.

gnomAD v4.1: 13 of 1,613,972 alleles (0.00081%); highest among the groups gnomAD compares: Admixed American, 0.01%; no homozygotes.

Submissions (2):

Ambry Genetics
Classification: Uncertain significance for Primary ciliary dyskinesia. Last evaluated: 2025-08-02. Review status: criteria provided, single submitter. Criteria: Ambry Variant Classification Scheme 2023. Collection method: clinical testing. Allele origin: germline.

Labcorp Genetics (formerly Invitae), Labcorp
Classification: Uncertain significance for Primary ciliary dyskinesia 23. Last evaluated: 2024-03-21. Review status: criteria provided, single submitter. Criteria: Invitae Variant Classification Sherloc (09022015). Collection method: clinical testing. Allele origin: germline.
Comment: This sequence change replaces arginine, which is basic and polar, with glycine, which is neutral and non-polar, at codon 639 of the ARMC4 protein (p.Arg639Gly). This variant is present in population databases (no rsID available, gnomAD 0.0009%). This variant has not been reported in the literature in individuals affected with ARMC4-related conditions. ClinVar contains an entry for this variant (Variation ID: 2589170). Algorithms developed to predict the effect of missense changes on protein structure and function output the following: SIFT: "Not Available"; PolyPhen-2: "Benign"; Align-GVGD: "Not Available". The glycine amino acid residue is found in multiple mammalian species, which suggests that this missense change does not adversely affect protein function. In summary, the available evidence is currently insufficient to determine the role of this variant in disease. Therefore, it has been classified as a Variant of Uncertain Significance.

NM_018076.5(ODAD2):c.1915C>G (p.Arg639Gly)

Gene: ODAD2 (outer dynein arm docking complex subunit 2; minus strand). Cytogenetic location: 10p12.1.
Variant type: single nucleotide variant.
Coding change: c.1915C>G on transcript NM_018076.5 (MANE Select); coding-DNA position 1915, C replaced by G.
Protein change: p.Arg639Gly; replaces arginine 639 with glycine.
Molecular consequence: missense variant.
Genome position (GRCh38, 1-based): chr10:27,940,634, G>C on the plus strand (C>G on the coding strand, the complement: ODAD2 is on the minus strand). VCF-style: chr10-27940634-G-C. GRCh37 (hg19) VCF-style: chr10-28229563-G-C.
Other names: c.1915C>G, p.Arg639Gly (NM_001290020.2); c.490C>G, p.Arg164Gly (NM_001290021.2); c.991C>G, p.Arg331Gly (NM_001312689.2); short protein forms R331G, R639G, R164G.
Identifiers: ClinVar variation 2589170 (VCV002589170.6), dbSNP rs1177855134, ClinGen allele CA376392476.
Genomic context (GRCh38, chr10:27,940,634, plus strand): 5'-ACTCTTGCAATGTCCCCACCACTGGAATTAGCATGTTTTCATGAGAAGTCTTCAGCAGCC[G>C]AGCCAACAGAGGAATGCCCCCAGCTTTGCGGATGGCTTCTTTATTCGTATGACTCTTACT-3'
Protein context (NP_060546.2, residues 629-649): RKAGGIPLLA[Arg639Gly]LLKTSHENML